The following is an entry in ClinVar:

NM_080732.4(EGLN2):c.820T>C (p.Tyr274His)

Genes: EGLN2 (egl-9 family hypoxia inducible factor 2; plus strand), RAB4B-EGLN2 (RAB4B-EGLN2 readthrough (NMD candidate); plus strand). Cytogenetic location: 19q13.2.
Variant type: single nucleotide variant.
Coding change: c.820T>C on transcript NM_080732.4 (MANE Select); coding-DNA position 820, T replaced by C.
Protein change: p.Tyr274His; replaces tyrosine 274 with histidine.
Molecular consequence: missense variant. On other transcripts: non-coding transcript variant (1).
Genome position (GRCh38, 1-based): chr19:40,801,392, T>C. VCF-style: chr19-40801392-T-C. GRCh37 (hg19) VCF-style: chr19-41307297-T-C.
Other names: c.820T>C, p.Tyr274His (NM_053046.4); short protein forms Y274H.
Identifiers: ClinVar variation 2451352 (VCV002451352.2), dbSNP rs2515995781, ClinGen allele CA405956039.

ClinVar aggregate classification (germline): Uncertain significance (1 of 4 stars; one submission).

Allele frequency attached by ClinVar (database versions not stated): gnomAD exomes below 0.00001.
gnomAD v4.1: 2 of 1,607,324 alleles (0.00012%); highest among the groups gnomAD compares: Non-Finnish European, 0.00017%; no homozygotes.

Submission:

Ambry Genetics
Classification: Uncertain significance. Last evaluated: 2023-01-09. Review status: criteria provided, single submitter. Criteria: Ambry Variant Classification Scheme 2023. Collection method: clinical testing. Allele origin: germline.
Comment: The p.Y274H variant (also known as c.820T>C), located in coding exon 1 of the EGLN2 gene, results from a T to C substitution at nucleotide position 820. The tyrosine at codon 274 is replaced by histidine, an amino acid with similar properties. This amino acid position is conserved. In addition, the in silico prediction for this alteration is inconclusive. Since supporting evidence is limited at this time, the clinical significance of this alteration remains unclear.